The following is an entry in ClinVar:

ClinVar aggregate classification (germline): Likely benign (1 of 4 stars; one submission).

Allele frequency attached by ClinVar (database versions not stated): 1000 Genomes Project 0.00140; 1000 Genomes Project 30x 0.00172; ExAC 0.00405; TOPMed 0.00430; ESP Exome Variant Server 0.00438; gnomAD exomes 0.00543.

Submission:

CeGaT Center for Human Genetics Tuebingen
Classification: Likely benign. Last evaluated: 2025-12-01. Review status: criteria provided, single submitter. Criteria: CeGaT Center For Human Genetics Tuebingen Variant Classification Criteria Version 2. Collection method: clinical testing. Allele origin: germline. Affected: yes. Observed: 6 variant alleles.
Comment: PDZD8: BP4, BS2

NM_173791.5(PDZD8):c.1444G>A (p.Ala482Thr)

Gene: PDZD8 (PDZ domain containing 8; minus strand). Cytogenetic location: 10q25.3.
Variant type: single nucleotide variant.
Coding change: c.1444G>A on transcript NM_173791.5 (MANE Select); coding-DNA position 1444, G replaced by A.
Protein change: p.Ala482Thr; replaces alanine 482 with threonine.
Molecular consequence: missense variant.
Genome position (GRCh38, 1-based): chr10:117,285,289, C>T on the plus strand (G>A on the coding strand, the complement: PDZD8 is on the minus strand). VCF-style: chr10-117285289-C-T. GRCh37 (hg19) VCF-style: chr10-119044800-C-T.
Other names: short protein forms A482T.
Identifiers: ClinVar variation 2640872 (VCV002640872.24), dbSNP rs151173634, ClinGen allele CA5711019.